The following is an entry in ClinVar:

NM_000540.3(RYR1):c.8674C>A (p.Gln2892Lys)

Gene: RYR1 (ryanodine receptor 1; plus strand). Cytogenetic location: 19q13.2.
Variant type: single nucleotide variant.
Coding change: c.8674C>A on transcript NM_000540.3 (MANE Select); coding-DNA position 8674, C replaced by A.
Protein change: p.Gln2892Lys; replaces glutamine 2892 with lysine.
Molecular consequence: missense variant.
Genome position (GRCh38, 1-based): chr19:38,506,528, C>A. VCF-style: chr19-38506528-C-A. GRCh37 (hg19) VCF-style: chr19-38997168-C-A.
Other names: c.8674C>A, p.Gln2892Lys (NM_001042723.2); short protein forms Q2892K.
Identifiers: ClinVar variation 4757769 (VCV004757769.1).

ClinVar aggregate classification (germline): Uncertain significance (1 of 4 stars; one submission).

Conditions:
Malignant hyperthermia, susceptibility to, 1 (MHS1). Also called: RYR1-Related Malignant Hyperthermia Susceptibility; Malignant hyperthermia suceptibility 1; Anesthesia related hyperthermia; Malignant hyperpyrexia; Fulminating hyperpyrexia; Pharmacogenic myopathy. Identifiers: Orphanet 423, MedGen C2930980, MONDO:0007783, OMIM 145600.

gnomAD v4.1: 1 of 1,613,918 alleles (0.000062%); highest among the groups gnomAD compares: African/African-American, 0.0013%; no homozygotes.

Submission:

Color Diagnostics, LLC DBA Color Health
Classification: Uncertain significance for Malignant hyperthermia, susceptibility to, 1. Last evaluated: 2025-08-30. Review status: criteria provided, single submitter. Criteria: ACMG Guidelines, 2015. Collection method: clinical testing. Allele origin: germline.
Comment: This missense variant replaces glutamine with lysine at codon 2892 of the RYR1 protein. Computational prediction suggests that this variant may not impact protein structure and function. To our knowledge, functional studies have not been reported for this variant. This variant has not been reported in individuals affected with RYR1-related disorders in the literature. This variant has not been identified in the general population by the Genome Aggregation Database (gnomAD). The available evidence is insufficient to determine the role of this variant in disease conclusively. Therefore, this variant is classified as a Variant of Uncertain Significance.